The following is an entry in ClinVar:

NM_002769.5(PRSS1):c.107C>A (p.Pro36His)

Genes: PRSS1 (serine protease 1; plus strand), TRB (T cell receptor beta locus; plus strand). Cytogenetic location: 7q34.
Variant type: single nucleotide variant.
Coding change: c.107C>A on transcript NM_002769.5 (MANE Select); coding-DNA position 107, C replaced by A.
Protein change: p.Pro36His; replaces proline 36 with histidine.
Molecular consequence: missense variant. On other transcripts: non-coding transcript variant (2).
Genome position (GRCh38, 1-based): chr7:142,750,621, C>A. VCF-style: chr7-142750621-C-A. GRCh37 (hg19) VCF-style: chr7-142458472-C-A.
Other names: short protein forms P36H.
Identifiers: ClinVar variation 4862589 (VCV004862589.1).
Genomic context (GRCh38, chr7:142,750,621, plus strand): 5'-CCCCCTTTGATGATGATGACAAGATCGTTGGGGGCTACAACTGTGAGGAGAATTCTGTCC[C>A]CTACCAGGTGTCCCTGAATTCTGGCTACCACTTCTGTGGTGGCTCCCTCATCAACGAACA-3'
Protein context (NP_002760.1, residues 26-46): GGYNCEENSV[Pro36His]YQVSLNSGYH

ClinVar aggregate classification (germline): Uncertain significance (1 of 4 stars; one submission).

Conditions:
Hereditary pancreatitis (PCTT). Also called: Hereditary chronic pancreatitis; PRSS1-Related Hereditary Pancreatitis. Identifiers: Orphanet 676, MedGen C0238339, MONDO:0008185, OMIM 167800.

Submission:

Ambry Genetics
Classification: Uncertain significance for Hereditary pancreatitis. Last evaluated: 2026-04-04. Review status: criteria provided, single submitter. Criteria: Ambry Variant Classification Scheme 2023. Collection method: clinical testing. Allele origin: germline.
Comment: The p.P36H variant (also known as c.107C>A), located in coding exon 2 of the PRSS1 gene, results from a C to A substitution at nucleotide position 107. The proline at codon 36 is replaced by histidine, an amino acid with similar properties. This amino acid position is conserved. In addition, this alteration is predicted to be deleterious by in silico analysis. Based on the available evidence, the clinical significance of this variant remains unclear.